The following is an entry in ClinVar:

NC_000009.12:g.104928254G>C

Genes: ABCA1 (ATP binding cassette subfamily A member 1; minus strand), LOC105376196 (uncharacterized LOC105376196; plus strand), LOC130002275 (ATAC-STARR-seq lymphoblastoid silent region 20147; plus strand). Cytogenetic location: 9q31.1.
Variant type: single nucleotide variant.
Genome position: GRCh38 VCF-style: chr9-104928254-G-C. GRCh37 (hg19) VCF-style: chr9-107690535-G-C.
Identifiers: ClinVar variation 369619 (VCV000369619.7), dbSNP rs2740483, ClinGen allele CA10654731.

ClinVar aggregate classification (germline): Benign. Review status: criteria provided, multiple submitters, no conflicts (2 of 4 stars). 2 submissions from 2 submitters: Benign (2). Last evaluated 2021-05-08.

Allele frequency attached by ClinVar (database versions not stated): gnomAD exomes 0.71134; gnomAD 0.75082 and 0.75216; TOPMed 0.75704; 1000 Genomes Project 0.78714; 1000 Genomes Project 30x 0.79263.

Submissions (2):

GeneDx
Classification: Benign. Last evaluated: 2021-05-08. Review status: criteria provided, single submitter. Criteria: GeneDx Variant Classification Process June 2021. Collection method: clinical testing. Allele origin: germline. Affected: yes.
Comment: This variant is associated with the following publications: (PMID: 11940086)

Breakthrough Genomics
Classification: Benign. Review status: criteria provided, single submitter. Criteria: ACMG Guidelines, 2015. Collection method: not provided. Allele origin: germline. Inheritance: Autosomal recessive inheritance. Affected: yes.